The following is an entry in ClinVar:

ClinVar aggregate classification (germline): Uncertain significance (1 of 4 stars; one submission).

Submission:

GeneDx
Classification: Uncertain significance. Last evaluated: 2024-09-02. Review status: criteria provided, single submitter. Criteria: GeneDx Variant Classification Process June 2021. Collection method: clinical testing. Allele origin: germline. Affected: yes.
Comment: Not observed at significant frequency in large population cohorts (gnomAD); In silico analysis supports that this missense variant has a deleterious effect on protein structure/function; Has not been previously published as pathogenic or benign to our knowledge

NM_000719.7(CACNA1C):c.6068G>T (p.Gly2023Val)

Genes: CACNA1C (calcium voltage-gated channel subunit alpha1 C; plus strand), CACNA1C-AS1 (CACNA1C antisense RNA 1; minus strand). Cytogenetic location: 12p13.33.
Variant type: single nucleotide variant.
Coding change: c.6068G>T on transcript NM_000719.7 (MANE Select); coding-DNA position 6068, G replaced by T.
Protein change: p.Gly2023Val; replaces glycine 2023 with valine.
Molecular consequence: missense variant.
Genome position (GRCh38, 1-based): chr12:2,688,730, G>T. VCF-style: chr12-2688730-G-T. GRCh37 (hg19) VCF-style: chr12-2797896-G-T.
Other names: c.6212G>T, p.Gly2071Val (NM_001129827.2); c.6191G>T, p.Gly2064Val (NM_001129829.2); c.6173G>T, p.Gly2058Val (NM_001129830.3, NM_001167624.3); c.6152G>T, p.Gly2051Val (NM_001129831.2); c.6128G>T, p.Gly2043Val (NM_001129832.2); c.6125G>T, p.Gly2042Val (NM_001129833.2, NM_001129834.2, NM_001129835.2); c.6119G>T, p.Gly2040Val (NM_001129836.2); c.6092G>T, p.Gly2031Val (NM_001129837.2, NM_001129838.2); and 6 more; short protein forms G2012V, G2020V, G2023V, G2029V, G2031V, G2040V, G2042V, G2043V.
Identifiers: ClinVar variation 3766029 (VCV003766029.1).